The following is an entry in ClinVar:

NM_016734.3(PAX5):c.952C>T (p.His318Tyr)

Gene: PAX5 (paired box 5; minus strand). Cytogenetic location: 9p13.2.
Variant type: single nucleotide variant.
Coding change: c.952C>T on transcript NM_016734.3 (MANE Select); coding-DNA position 952, C replaced by T.
Protein change: p.His318Tyr; replaces histidine 318 with tyrosine.
Molecular consequence: missense variant. On other transcripts: non-coding transcript variant (2), intron variant (6).
Genome position (GRCh38, 1-based): chr9:36,882,064, G>A on the plus strand (C>T on the coding strand, the complement: PAX5 is on the minus strand). VCF-style: chr9-36882064-G-A. GRCh37 (hg19) VCF-style: chr9-36882061-G-A.
Other names: c.952C>T, p.His318Tyr (NM_001280548.2); c.823C>T, p.His275Tyr (NM_001280553.2, NM_001280554.2); c.628C>T, p.His210Tyr (NM_001280556.2); c.586+41291C>T (NM_001280551.2); c.713-35135C>T (NM_001280555.2); c.781-41428C>T (NM_001280550.2); c.781-35135C>T (NM_001280549.2); c.910+41291C>T (NM_001280552.2); and 1 more; short protein forms H210Y, H275Y, H318Y.
Identifiers: ClinVar variation 4861602 (VCV004861602.1).

ClinVar aggregate classification (germline): Uncertain significance (1 of 4 stars; one submission).

Conditions:
Inborn genetic diseases. Identifiers: MedGen C0950123, MeSH D030342.

gnomAD v4.1: 2 of 1,610,404 alleles (0.00012%); highest among the groups gnomAD compares: Non-Finnish European, 0.00017%; no homozygotes.

Submission:

Ambry Genetics
Classification: Uncertain significance for Inborn genetic diseases. Last evaluated: 2026-04-06. Review status: criteria provided, single submitter. Criteria: Ambry Variant Classification Scheme 2023. Collection method: clinical testing. Allele origin: germline.
Comment: The p.H318Y variant (also known as c.952C>T), located in coding exon 8 of the PAX5 gene, results from a C to T substitution at nucleotide position 952. The histidine at codon 318 is replaced by tyrosine, an amino acid with similar properties. This amino acid position is conserved. In addition, the in silico prediction for this alteration is inconclusive. Based on the available evidence, the clinical significance of this variant remains unclear.